The following is an entry in ClinVar:

ClinVar aggregate classification (germline): Uncertain significance (1 of 4 stars; one submission).

Submission:

GeneDx
Classification: Uncertain significance. Last evaluated: 2026-03-18. Review status: criteria provided, single submitter. Criteria: GeneDx Variant Classification Process June 2021. Collection method: clinical testing. Allele origin: germline.
Comment: Not observed at significant frequency in large population cohorts (gnomAD); In silico analysis supports that this missense variant has a deleterious effect on protein structure/function; Has not been previously published as pathogenic or benign to our knowledge

NM_022552.5(DNMT3A):c.1880C>G (p.Pro627Arg)

Gene: DNMT3A (DNA methyltransferase 3 alpha; minus strand). Cytogenetic location: 2p23.3.
Variant type: single nucleotide variant.
Coding change: c.1880C>G on transcript NM_022552.5 (MANE Select); coding-DNA position 1880, C replaced by G.
Protein change: p.Pro627Arg; replaces proline 627 with arginine.
Molecular consequence: missense variant. On other transcripts: non-coding transcript variant (1).
Genome position (GRCh38, 1-based): chr2:25,243,954, G>C on the plus strand (C>G on the coding strand, the complement: DNMT3A is on the minus strand). VCF-style: chr2-25243954-G-C. GRCh37 (hg19) VCF-style: chr2-25466823-G-C.
Other names: c.1424C>G, p.Pro475Arg (NM_001320893.1); c.1211C>G, p.Pro404Arg (NM_001375819.1); c.1313C>G, p.Pro438Arg (NM_153759.3); c.1880C>G, p.Pro627Arg (NM_175629.2); short protein forms P404R, P475R, P627R, P438R.
Identifiers: ClinVar variation 5009404 (VCV005009404.1).